The following is an entry in ClinVar:

ClinVar aggregate classification (germline): Uncertain significance. Review status: criteria provided, multiple submitters, no conflicts (2 of 4 stars). 3 submissions from 3 submitters: Uncertain significance (3). Last evaluated 2026-04-13.

Conditions:
Short-rib thoracic dysplasia 10 with or without polydactyly (SRTD10). Identifiers: Orphanet 474, MedGen C3810175, MONDO:0014284, OMIM 615630.
Retinitis pigmentosa 71 (RP71). Identifiers: Orphanet 791, MedGen C4225342, MONDO:0014618, OMIM 616394.
Bardet-Biedl syndrome 20. Identifiers: MedGen C4310707, MONDO:0023670, OMIM 619471, MONDO:0014926.
IFT172-related disorder. Also called: IFT172-related condition; IFT172-related disorders.

Allele frequency attached by ClinVar (database versions not stated): ESP Exome Variant Server 0.00008; 1000 Genomes Project 30x 0.00031.
gnomAD v4.1: 19 of 1,614,062 alleles (0.0012%); highest among the groups gnomAD compares: Admixed American, 0.01%; no homozygotes.

Submissions (3):

PreventionGenetics, part of Exact Sciences
Classification: Uncertain significance for IFT172-related condition. Last evaluated: 2026-04-13. Review status: criteria provided, single submitter. Criteria: ACMG Guidelines, 2015. Collection method: clinical testing. Allele origin: germline.
Comment: The IFT172 c.2060G>A variant is predicted to result in the amino acid substitution p.Arg687His. To our knowledge, this variant has not been reported in the literature. This variant is reported in 0.017% of alleles in individuals of Latino descent in gnomAD. At this time, the clinical significance of this variant is uncertain due to the absence of conclusive functional and genetic evidence.

Fulgent Genetics
Classification: Uncertain significance for Short-rib thoracic dysplasia 10 with or without polydactyly; Retinitis pigmentosa 71; Bardet-Biedl syndrome 20. Last evaluated: 2024-05-24. Review status: criteria provided, single submitter. Criteria: ACMG Guidelines, 2015. Collection method: clinical testing. Allele origin: germline.

Labcorp Genetics (formerly Invitae), Labcorp
Classification: Uncertain significance for Retinitis pigmentosa 71; Short-rib thoracic dysplasia 10 with or without polydactyly. Last evaluated: 2022-07-26. Review status: criteria provided, single submitter. Criteria: Invitae Variant Classification Sherloc (09022015). Collection method: clinical testing. Allele origin: germline.
Comment: This sequence change replaces arginine, which is basic and polar, with histidine, which is basic and polar, at codon 687 of the IFT172 protein (p.Arg687His). This variant is present in population databases (rs145601549, gnomAD 0.02%). This variant has not been reported in the literature in individuals affected with IFT172-related conditions. Algorithms developed to predict the effect of missense changes on protein structure and function (SIFT, PolyPhen-2, Align-GVGD) all suggest that this variant is likely to be tolerated. In summary, the available evidence is currently insufficient to determine the role of this variant in disease. Therefore, it has been classified as a Variant of Uncertain Significance.

NM_015662.3(IFT172):c.2060G>A (p.Arg687His)

Gene: IFT172 (intraflagellar transport 172; minus strand). Cytogenetic location: 2p23.3.
Variant type: single nucleotide variant.
Coding change: c.2060G>A on transcript NM_015662.3 (MANE Select); coding-DNA position 2060, G replaced by A.
Protein change: p.Arg687His; replaces arginine 687 with histidine.
Molecular consequence: missense variant.
Genome position (GRCh38, 1-based): chr2:27,462,756, C>T on the plus strand (G>A on the coding strand, the complement: IFT172 is on the minus strand). VCF-style: chr2-27462756-C-T. GRCh37 (hg19) VCF-style: chr2-27685623-C-T.
Other names: c.1994G>A, p.Arg665His (NM_001410739.1); c.2060G>A (NM_015662.2); short protein forms R687H, R665H.
Identifiers: ClinVar variation 2050776 (VCV002050776.5), dbSNP rs145601549, ClinGen allele CA1580418.